The following is an entry in ClinVar:

ClinVar aggregate classification (germline): Uncertain significance (1 of 4 stars; one submission).

Conditions:
Transcobalamin II deficiency (TCN2D). Also called: TC II DEFICIENCY; TCN2 DEFICIENCY; Transcolabamin II deficiency. Identifiers: Orphanet 859, MedGen C0342701, MONDO:0010149, OMIM 275350.

Allele frequency attached by ClinVar (database versions not stated): gnomAD exomes below 0.00001.

Submission:

Labcorp Genetics (formerly Invitae), Labcorp
Classification: Uncertain significance for Transcobalamin II deficiency. Last evaluated: 2024-04-10. Review status: criteria provided, single submitter. Criteria: Invitae Variant Classification Sherloc (09022015). Collection method: clinical testing. Allele origin: germline.
Comment: This sequence change replaces threonine, which is neutral and polar, with serine, which is neutral and polar, at codon 195 of the TCN2 protein (p.Thr195Ser). This variant is not present in population databases (gnomAD no frequency). This variant has not been reported in the literature in individuals affected with TCN2-related conditions. ClinVar contains an entry for this variant (Variation ID: 1506238). Algorithms developed to predict the effect of missense changes on protein structure and function output the following: SIFT: "Not Available"; PolyPhen-2: "Possibly Damaging"; Align-GVGD: "Not Available". The serine amino acid residue is found in multiple mammalian species, which suggests that this missense change does not adversely affect protein function. In summary, the available evidence is currently insufficient to determine the role of this variant in disease. Therefore, it has been classified as a Variant of Uncertain Significance.

NM_000355.4(TCN2):c.583A>T (p.Thr195Ser)

Gene: TCN2 (transcobalamin 2; plus strand). Cytogenetic location: 22q12.2.
Variant type: single nucleotide variant.
Coding change: c.583A>T on transcript NM_000355.4 (MANE Select); coding-DNA position 583, A replaced by T.
Protein change: p.Thr195Ser; replaces threonine 195 with serine.
Molecular consequence: missense variant.
Genome position (GRCh38, 1-based): chr22:30,615,303, A>T. VCF-style: chr22-30615303-A-T. GRCh37 (hg19) VCF-style: chr22-31011290-A-T.
Other names: c.502A>T, p.Thr168Ser (NM_001184726.2); short protein forms T195S, T168S.
Identifiers: ClinVar variation 1506238 (VCV001506238.5), dbSNP rs2145544190, ClinGen allele CA411212034.
Genomic context (GRCh38, chr22:30,615,303, plus strand): 5'-GCCTGTCCTGGCCCCTTTGGCTCTCCAGCTCATTGCATGTTCTGTCCCCCACTTCAAGAC[A>T]CAGCAGCCATGGCAGGCTTGGCATTCACCTGTCTGAAGCGCTCAAACTTCAACCCTGGTC-3'
Protein context (NP_000346.2, residues 185-205): PFHQGHHSVD[Thr195Ser]AAMAGLAFTC